The following is an entry in ClinVar:

ClinVar aggregate classification (germline): Uncertain significance (1 of 4 stars; one submission).

Allele frequency attached by ClinVar (database versions not stated): gnomAD exomes below 0.00001; gnomAD 0.00001; TOPMed 0.00001.
gnomAD v4.1: 5 of 1,611,384 alleles (0.00031%); highest among the groups gnomAD compares: Non-Finnish European, 0.00042%; no homozygotes.

Submission:

Labcorp Genetics (formerly Invitae), Labcorp
Classification: Uncertain significance. Last evaluated: 2022-04-11. Review status: criteria provided, single submitter. Criteria: Invitae Variant Classification Sherloc (09022015). Collection method: clinical testing. Allele origin: germline.
Comment: In summary, the available evidence is currently insufficient to determine the role of this variant in disease. Therefore, it has been classified as a Variant of Uncertain Significance. Algorithms developed to predict the effect of missense changes on protein structure and function (SIFT, PolyPhen-2, Align-GVGD) all suggest that this variant is likely to be disruptive. This variant has not been reported in the literature in individuals affected with LTBP2-related conditions. This variant is not present in population databases (gnomAD no frequency). This sequence change replaces valine, which is neutral and non-polar, with phenylalanine, which is neutral and non-polar, at codon 1631 of the LTBP2 protein (p.Val1631Phe).

NM_000428.3(LTBP2):c.4891G>T (p.Val1631Phe)

Gene: LTBP2 (latent transforming growth factor beta binding protein 2; minus strand). Cytogenetic location: 14q24.3.
Variant type: single nucleotide variant.
Coding change: c.4891G>T on transcript NM_000428.3 (MANE Select); coding-DNA position 4891, G replaced by T.
Protein change: p.Val1631Phe; replaces valine 1631 with phenylalanine.
Molecular consequence: missense variant.
Genome position (GRCh38, 1-based): chr14:74,502,932, C>A on the plus strand (G>T on the coding strand, the complement: LTBP2 is on the minus strand). VCF-style: chr14-74502932-C-A. GRCh37 (hg19) VCF-style: chr14-74969635-C-A.
Other names: short protein forms V1631F.
Identifiers: ClinVar variation 2054048 (VCV002054048.3), dbSNP rs2086930046, ClinGen allele CA390384092.